The following is an entry in ClinVar:

NM_004991.4(MECOM):c.3714C>T (p.His1238=)

Gene: MECOM (MDS1 and EVI1 complex locus; minus strand). Cytogenetic location: 3q26.2.
Variant type: single nucleotide variant.
Coding change: c.3714C>T on transcript NM_004991.4 (MANE Select); coding-DNA position 3714, C replaced by T.
Protein change: p.His1238=; no amino-acid change (histidine 1238 retained).
Molecular consequence: synonymous variant.
Genome position (GRCh38, 1-based): chr3:169,084,915, G>A on the plus strand (C>T on the coding strand, the complement: MECOM is on the minus strand). VCF-style: chr3-169084915-G-A. GRCh37 (hg19) VCF-style: chr3-168802703-G-A.
Other names: c.3150C>T (NM_001105078.3); c.3345C>T, p.His1115= (NM_001105077.4); c.3150C>T, p.His1050= (NM_001105078.4, NM_001205194.2, NM_001366469.2 and 1 more transcripts); c.3126C>T, p.His1042= (NM_001163999.2, NM_001366470.2); c.3123C>T, p.His1041= (NM_001164000.2, NM_001366471.2, NM_001366472.2); c.3687C>T, p.His1229= (NM_001366466.2); c.3153C>T, p.His1051= (NM_001366467.2, NM_001366468.2); c.2715C>T, p.His905= (NM_001366473.2); and 1 more.
Identifiers: ClinVar variation 3394294 (VCV003394294.4).

ClinVar aggregate classification (germline): Benign/Likely benign. Review status: criteria provided, multiple submitters, no conflicts (2 of 4 stars). 3 submissions from 3 submitters: Benign (1); Likely benign (2). Last evaluated 2025-02-20.

Conditions:
Inborn genetic diseases. Identifiers: MedGen C0950123, MeSH D030342.
MECOM-related disorder. Also called: MECOM-related condition.

gnomAD v4.1: 36 of 1,613,964 alleles (0.0022%); highest among the groups gnomAD compares: East Asian, 0.036%; no homozygotes.

Submissions (3):

PreventionGenetics, part of Exact Sciences
Classification: Likely benign for MECOM-related condition. Last evaluated: 2025-02-20. Review status: criteria provided, single submitter. Criteria: ACMG Guidelines, 2015. Collection method: clinical testing. Allele origin: germline.
Comment: This variant is classified as likely benign based on ACMG/AMP sequence variant interpretation guidelines (Richards et al. 2015 PMID: 25741868, with internal and published modifications).

Ambry Genetics
Classification: Likely benign for Inborn genetic diseases. Last evaluated: 2024-11-23. Review status: criteria provided, single submitter. Criteria: Ambry Variant Classification Scheme 2023. Collection method: clinical testing. Allele origin: germline.

Labcorp Genetics (formerly Invitae), Labcorp
Classification: Benign. Last evaluated: 2024-10-27. Review status: criteria provided, single submitter. Criteria: Invitae Variant Classification Sherloc (09022015). Collection method: clinical testing. Allele origin: germline.